The following is an entry in ClinVar:

NM_003000.3(SDHB):c.766-20T>C

Genes: SDHB (succinate dehydrogenase complex iron sulfur subunit B; minus strand), LOC129929541 (ATAC-STARR-seq lymphoblastoid active region 276; plus strand). Cytogenetic location: 1p36.13.
Variant type: single nucleotide variant.
Coding change: c.766-20T>C on transcript NM_003000.3 (MANE Select); 20 bases into the intron before coding-DNA position 766, T replaced by C.
Molecular consequence: intron variant.
Genome position (GRCh38, 1-based): chr1:17,018,978, A>G on the plus strand (T>C on the coding strand, the complement: SDHB is on the minus strand). VCF-style: chr1-17018978-A-G. GRCh37 (hg19) VCF-style: chr1-17345473-A-G.
Identifiers: ClinVar variation 385761 (VCV000385761.17), dbSNP rs750144449, ClinGen allele CA089760.
Genomic context (GRCh38, chr1:17,018,978, plus strand): 5'-ATTTTCTTGATCTCTGCAATAGCTTTCCCTGGATTCAGACCCTTGAAAAAAGAGAAAAGA[A>G]TCAATAACAAATGATAACTGAAACTGAAAGGGAAAACCCACAATCTTGGGTGAAACTCCT-3'

ClinVar aggregate classification (germline): Likely benign. Review status: criteria provided, multiple submitters, no conflicts (2 of 4 stars). 4 submissions from 4 submitters: Likely benign (4). Last evaluated 2026-01-14.

Conditions:
Gastrointestinal stromal tumor. Also called: Gastrointestinal stromal tumor, somatic; Gastrointestinal stroma tumor. Identifiers: Orphanet 44890, MedGen C0238198, MeSH D046152, MONDO:0011719, OMIM 606764, HP:0100723.
Pheochromocytoma/paraganglioma syndrome 4. Also called: CAROTID BODY TUMORS AND MULTIPLE EXTRAADRENAL PHEOCHROMOCYTOMAS; SDHB-Related Hereditary Paraganglioma-Pheochromocytoma Syndrome (Paragangliomas 4); PARAGANGLIOMA, FAMILIAL MALIGNANT; PARAGANGLIOMAS, HEREDITARY EXTRAADRENAL; PHEOCHROMOCYTOMA, FAMILIAL EXTRAADRENAL; Paragangliomas 4. Identifiers: Orphanet 29072, MedGen C1861848, MONDO:0007273, OMIM 115310.
Pheochromocytoma. Also called: MAX-Related Hereditary Paraganglioma-Pheochromocytoma Syndrome. Identifiers: Orphanet 29072, MedGen C0031511, MONDO:0008233, OMIM 171300, HP:0002666.

Allele frequency attached by ClinVar (database versions not stated): TOPMed below 0.00001; gnomAD exomes 0.00001 and 0.00002; ExAC 0.00002.
gnomAD v4.1: 23 of 1,569,546 alleles (0.0015%); highest among the groups gnomAD compares: Non-Finnish European, 0.0019%; no homozygotes.

Submissions (4):

Labcorp Genetics (formerly Invitae), Labcorp
Classification: Likely benign for Gastrointestinal stromal tumor; Pheochromocytoma/paraganglioma syndrome 4; Pheochromocytoma. Last evaluated: 2026-01-14. Review status: criteria provided, single submitter. Criteria: Invitae Variant Classification Sherloc (09022015). Collection method: clinical testing. Allele origin: germline.

Myriad Genetics, Inc.
Classification: Likely benign for Pheochromocytoma/paraganglioma syndrome 4. Last evaluated: 2025-03-13. Review status: criteria provided, single submitter. Criteria: Myriad Autosomal Dominant, Autosomal Recessive and X-Linked Classification Criteria (2023). Collection method: clinical testing. Allele origin: unknown.
Comment: This variant is considered likely benign. This variant is intronic and is not expected to impact mRNA splicing.

Center for Genomic Medicine, Rigshospitalet, Copenhagen University Hospital
Classification: Likely benign. Last evaluated: 2025-03-04. Review status: criteria provided, single submitter. Criteria: ACMG Guidelines, 2015. Collection method: clinical testing. Allele origin: germline.

GeneDx
Classification: Likely benign. Last evaluated: 2016-04-26. Review status: criteria provided, single submitter. Criteria: GeneDx Variant Classification (06012015). Collection method: clinical testing. Allele origin: germline. Affected: yes.
Comment: This variant is considered likely benign or benign based on one or more of the following criteria: it is a conservative change, it occurs at a poorly conserved position in the protein, it is predicted to be benign by multiple in silico algorithms, and/or has population frequency not consistent with disease.